The following is an entry in ClinVar:

ClinVar aggregate classification (germline): Benign (0 of 4 stars; one submission).

Conditions:
NINL-related disorder. Also called: NINL-related condition.

Submission:

PreventionGenetics, part of Exact Sciences
Classification: Benign for NINL-related condition. Last evaluated: 2021-10-13. Review status: no assertion criteria provided. Collection method: clinical testing. Allele origin: germline.
Comment: This variant is classified as benign based on ACMG/AMP sequence variant interpretation guidelines (Richards et al. 2015 PMID: 25741868, with internal and published modifications).

NM_025176.6(NINL):c.2872_2877del (p.Trp958_Glu959del)

Gene: NINL (ninein like; minus strand). Cytogenetic location: 20p11.21.
Variant type: Deletion.
Coding change: c.2872_2877del on transcript NM_025176.6 (MANE Select); coding-DNA positions 2872 to 2877, 6 bases deleted (TGGGAG; older notation c.2872_2877delTGGGAG).
Protein change: p.Trp958_Glu959del.
Molecular consequence: intron variant (on NM_001318226.2).
Genome position (GRCh38, 1-based): chr20:25,476,414-25,476,419, CTCCCA deleted on the plus strand (TGGGAG on the coding strand, the reverse complement: NINL is on the minus strand); deleting any 6 consecutive bases within chr20:25,476,414-25,476,420 gives the same sequence; the c. name uses the placement nearest the transcript's 3' end. VCF-style (leftmost placement, unchanged base first): chr20-25476413-GCTCCCA-G. GRCh37 (hg19) VCF-style: chr20-25457049-GCTCCCA-G.
Other names: c.2201+2504_2201+2509del (NM_001318226.2).
Identifiers: ClinVar variation 3060935 (VCV003060935.2), dbSNP rs34410422, ClinGen allele CA9797166.